The following is an entry in ClinVar:

NC_000015.9:g.(?_40453422)_(40457417_?)del

Gene: BUB1B (BUB1 mitotic checkpoint serine/threonine kinase B; plus strand). Cytogenetic location: 15q15.1.
Variant type: Deletion.
Identifiers: ClinVar variation 2423976 (VCV002423976.4).

ClinVar aggregate classification (germline): Pathogenic (1 of 4 stars; one submission).

Conditions:
Mosaic variegated aneuploidy syndrome 1 (MVA1). Also called: Warburton-Anyane-Yeboa syndrome. Identifiers: Orphanet 1052, MedGen C1850343, MONDO:0009759, OMIM 257300.

Submission:

Labcorp Genetics (formerly Invitae), Labcorp
Classification: Pathogenic for Mosaic variegated aneuploidy syndrome 1. Last evaluated: 2023-01-15. Review status: criteria provided, single submitter. Criteria: Invitae Variant Classification Sherloc (09022015). Collection method: clinical testing. Allele origin: germline.
Comment: For these reasons, this variant has been classified as Pathogenic. This variant has not been reported in the literature in individuals affected with BUB1B-related conditions. This variant is a gross deletion of the genomic region encompassing exon(s) 1-2 of the BUB1B gene, which includes the initiator codon. This deletion extends beyond the assayed region for this gene and therefore may encompass additional genes. It is expected to result in an absent or disrupted protein product. Loss-of-function variants in BUB1B are known to be pathogenic (PMID: 15475955, 21190457).

Literature cited by the submitters: PubMed 15475955; PubMed 21190457.